The following is an entry in ClinVar:

NM_004560.4(ROR2):c.2290del (p.Ala764fs)

Gene: ROR2 (receptor tyrosine kinase like orphan receptor 2; minus strand). Cytogenetic location: 9q22.31.
Variant type: Deletion.
Coding change: c.2290del on transcript NM_004560.4 (MANE Select); coding-DNA position 2290, one base deleted (G; older notation c.2290delG).
Protein change: p.Ala764fs; shifts the reading frame from alanine 764.
Molecular consequence: frameshift variant.
Genome position (GRCh38, 1-based): chr9:91,724,204, C deleted on the plus strand (G on the coding strand, the reverse complement: ROR2 is on the minus strand); the first of 5 consecutive C bases (chr9:91,724,204-91,724,208); deleting any one gives the same sequence. VCF-style (leftmost placement, unchanged base first): chr9-91724203-GC-G. GRCh37 (hg19) VCF-style: chr9-94486485-GC-G.
Other names: short protein forms A764fs.
Identifiers: ClinVar variation 2002388 (VCV002002388.4), dbSNP rs2490108551, ClinGen allele CA645560445.

ClinVar aggregate classification (germline): Uncertain significance (1 of 4 stars; one submission).

Submission:

Labcorp Genetics (formerly Invitae), Labcorp
Classification: Uncertain significance. Last evaluated: 2022-06-04. Review status: criteria provided, single submitter. Criteria: Invitae Variant Classification Sherloc (09022015). Collection method: clinical testing. Allele origin: germline.
Comment: This sequence change creates a premature translational stop signal (p.Ala764Profs*10) in the ROR2 gene. While this is not anticipated to result in nonsense mediated decay, it is expected to disrupt the last 180 amino acid(s) of the ROR2 protein. This variant is not present in population databases (gnomAD no frequency). This variant has not been reported in the literature in individuals affected with ROR2-related conditions. Experimental studies and prediction algorithms are not available or were not evaluated, and the functional significance of this variant is currently unknown. In summary, the available evidence is currently insufficient to determine the role of this variant in disease. Therefore, it has been classified as a Variant of Uncertain Significance.